The following is an entry in ClinVar:

NM_001080517.3(SETD5):c.1194_1195dup (p.Lys399fs)

Gene: SETD5 (SET domain containing 5; plus strand). Cytogenetic location: 3p25.3.
Variant type: Microsatellite.
Coding change: c.1194_1195dup on transcript NM_001080517.3 (MANE Select); coding-DNA positions 1194 to 1195, 2 bases duplicated (TA; older notation c.1194_1195dupTA).
Protein change: p.Lys399fs; shifts the reading frame from lysine 399.
Molecular consequence: frameshift variant.
Genome position (GRCh38, 1-based): chr3:9,445,054-9,445,055, TA duplicated; duplicating any 2 consecutive bases within chr3:9,445,052-9,445,055 gives the same sequence; the c. name uses the placement nearest the transcript's 3' end. VCF-style (leftmost placement, unchanged base first): chr3-9445051-T-TTA. GRCh37 (hg19) VCF-style: chr3-9486735-T-TTA.
Other names: c.900_901dup, p.Lys301fs (NM_001292043.2, NM_001349451.2); short protein forms K399fs, K301fs.
Identifiers: ClinVar variation 2105410 (VCV002105410.4), dbSNP rs2472824323, ClinGen allele CA2580614126.

ClinVar aggregate classification (germline): Pathogenic (1 of 4 stars; one submission).

Submission:

Labcorp Genetics (formerly Invitae), Labcorp
Classification: Pathogenic. Last evaluated: 2022-07-14. Review status: criteria provided, single submitter. Criteria: Invitae Variant Classification Sherloc (09022015). Collection method: clinical testing. Allele origin: germline.
Comment: For these reasons, this variant has been classified as Pathogenic. This variant has not been reported in the literature in individuals affected with SETD5-related conditions. This variant is not present in population databases (gnomAD no frequency). This sequence change creates a premature translational stop signal (p.Lys399Ilefs*52) in the SETD5 gene. It is expected to result in an absent or disrupted protein product. Loss-of-function variants in SETD5 are known to be pathogenic (PMID: 24680889).

Literature cited by the submitters: PubMed 24680889.